The following is an entry in ClinVar:

ClinVar aggregate classification (germline): Uncertain significance (1 of 4 stars; one submission).

Conditions:
Hereditary cancer-predisposing syndrome. Also called: Neoplastic Syndromes, Hereditary; Tumor predisposition; Hereditary Cancer Syndrome; Hereditary neoplastic syndrome. Identifiers: Orphanet 140162, MedGen C0027672, MeSH D009386, MONDO:0015356.

Submission:

Ambry Genetics
Classification: Uncertain significance for Hereditary cancer-predisposing syndrome. Last evaluated: 2012-08-10. Review status: criteria provided, single submitter. Criteria: Ambry Autosomal Dominant and X-Linked criteria (10/2015). Collection method: clinical testing. Allele origin: germline. Observed: 1 variant allele.
Comment: Ã¢â‚¬â€¹The p.R32G variant (also known as c.94A>G) is located in coding exon 2 of the MRE11A gene. This alteration results from a A to G substitution at nucleotide position 94. The arginine at codon 32 is replaced by glycine, an amino acid with dissimilar properties. This variant was not reported in population-based cohorts in the following databases: Database of Single Nucleotide Polymorphisms (dbSNP), NHLBI Exome Sequencing Project (ESP) and 1000 Genomes Project. To date, this alteration has been detected with an allele frequency of approximately 0.03% (greater than 2900 alleles tested) in our clinical cohort (includes this individual). Based on protein sequence alignment, this amino acid position is highly conserved in available vertebrate species. In addition, this alteration is predicted to be probably damaging and deleterious by Polyphen and SIFT in silico analyses, respectively. Since supporting evidence is limited at this time, the clinical significance of p.R32G remains unclear.

NM_005591.4(MRE11):c.94A>G (p.Arg32Gly)

Gene: MRE11 (MRE11 double strand break repair nuclease; minus strand). Cytogenetic location: 11q21.
Variant type: single nucleotide variant.
Coding change: c.94A>G on transcript NM_005591.4 (MANE Select); coding-DNA position 94, A replaced by G.
Protein change: p.Arg32Gly; replaces arginine 32 with glycine.
Molecular consequence: missense variant.
Genome position (GRCh38, 1-based): chr11:94,490,892, T>C on the plus strand (A>G on the coding strand, the complement: MRE11 is on the minus strand). VCF-style: chr11-94490892-T-C. GRCh37 (hg19) VCF-style: chr11-94224058-T-C.
Other names: c.94A>G, p.Arg32Gly (NM_001330347.2, NM_005590.4); short protein forms R32G.
Identifiers: ClinVar variation 142146 (VCV000142146.3), dbSNP rs587782266, ClinGen allele CA167536.
Genomic context (GRCh38, chr11:94,490,892, plus strand): 5'-CTTCATTTTCCTGGGCAAGTCTTAAAATTTCATCGAGTGTTACAAACGTATCATTTCCTC[T>C]GACTGCATCTTTCTCCATAAATCCAAGATGAATATCTGTTGCAACTAATATTTTAAATGT-3'
Protein context (NP_005582.1, residues 22-42): HLGFMEKDAV[Arg32Gly]GNDTFVTLDE